The following is an entry in ClinVar:

NM_014795.4(ZEB2):c.364C>T (p.Pro122Ser)

Gene: ZEB2 (zinc finger E-box binding homeobox 2; minus strand). Cytogenetic location: 2q22.3.
Variant type: single nucleotide variant.
Coding change: c.364C>T on transcript NM_014795.4 (MANE Select); coding-DNA position 364, C replaced by T.
Protein change: p.Pro122Ser; replaces proline 122 with serine.
Molecular consequence: missense variant. On other transcripts: intron variant (1).
Genome position (GRCh38, 1-based): chr2:144,424,835, G>A on the plus strand (C>T on the coding strand, the complement: ZEB2 is on the minus strand). VCF-style: chr2-144424835-G-A. GRCh37 (hg19) VCF-style: chr2-145182402-G-A.
Other names: c.331+4934C>T (NM_001171653.2); short protein forms P122S.
Identifiers: ClinVar variation 645462 (VCV000645462.8), dbSNP rs1573739706, ClinGen allele CA348717422.

ClinVar aggregate classification (germline): Uncertain significance (1 of 4 stars; one submission).

Conditions:
Mowat-Wilson syndrome (MOWS). Also called: Classic Mowat-Wilson Syndrome. Identifiers: Orphanet 2152, MedGen C1856113, MONDO:0009341, OMIM 235730.

Submission:

Labcorp Genetics (formerly Invitae), Labcorp
Classification: Uncertain significance for Mowat-Wilson syndrome. Last evaluated: 2022-07-25. Review status: criteria provided, single submitter. Criteria: Invitae Variant Classification Sherloc (09022015). Collection method: clinical testing. Allele origin: germline.
Comment: This sequence change replaces proline, which is neutral and non-polar, with serine, which is neutral and polar, at codon 122 of the ZEB2 protein (p.Pro122Ser). In summary, the available evidence is currently insufficient to determine the role of this variant in disease. Therefore, it has been classified as a Variant of Uncertain Significance. Algorithms developed to predict the effect of sequence changes on RNA splicing suggest that this variant may create or strengthen a splice site. Algorithms developed to predict the effect of missense changes on protein structure and function (SIFT, PolyPhen-2, Align-GVGD) all suggest that this variant is likely to be tolerated. ClinVar contains an entry for this variant (Variation ID: 645462). This variant has not been reported in the literature in individuals affected with ZEB2-related conditions. This variant is not present in population databases (gnomAD no frequency).